The following is an entry in ClinVar:

NM_001917.5(DAO):c.856C>T (p.Arg286Cys)

Gene: DAO (D-amino acid oxidase; plus strand). Cytogenetic location: 12q24.11.
Variant type: single nucleotide variant.
Coding change: c.856C>T on transcript NM_001917.5 (MANE Select); coding-DNA position 856, C replaced by T.
Protein change: p.Arg286Cys; replaces arginine 286 with cysteine.
Molecular consequence: missense variant. On other transcripts: synonymous variant (1).
Genome position (GRCh38, 1-based): chr12:108,899,419, C>T. VCF-style: chr12-108899419-C-T. GRCh37 (hg19) VCF-style: chr12-109293195-C-T.
Other names: c.856C>T, p.Arg286Cys (NM_001413634.1); c.738C>T, p.Tyr246= (NM_001413635.1); short protein forms R286C.
Identifiers: ClinVar variation 3037057 (VCV003037057.2), dbSNP rs768403852, ClinGen allele CA6771264.

ClinVar aggregate classification (germline): Uncertain significance (0 of 4 stars; one submission).

Conditions:
DAO-related disorder. Also called: DAO-related condition.

Allele frequency attached by ClinVar (database versions not stated): ExAC 0.00002; gnomAD 0.00003; TOPMed 0.00004.
gnomAD v4.1: 38 of 1,613,694 alleles (0.0024%); highest among the groups gnomAD compares: Admixed American, 0.01%; no homozygotes.

Submission:

PreventionGenetics, part of Exact Sciences
Classification: Uncertain significance for DAO-related condition. Last evaluated: 2023-12-19. Review status: no assertion criteria provided. Collection method: clinical testing. Allele origin: germline.
Comment: The DAO c.856C>T variant is predicted to result in the amino acid substitution p.Arg286Cys. To our knowledge, this variant has not been reported in the literature. This variant is reported in 0.011% of alleles in individuals of Latino descent in gnomAD. At this time, the clinical significance of this variant is uncertain due to the absence of conclusive functional and genetic evidence.